The following is an entry in ClinVar:

NM_014339.7(IL17RA):c.2314G>A (p.Ala772Thr)

Gene: IL17RA (interleukin 17 receptor A; plus strand). Cytogenetic location: 22q11.1.
Variant type: single nucleotide variant.
Coding change: c.2314G>A on transcript NM_014339.7 (MANE Select); coding-DNA position 2314, G replaced by A.
Protein change: p.Ala772Thr; replaces alanine 772 with threonine.
Molecular consequence: missense variant.
Genome position (GRCh38, 1-based): chr22:17,109,533, G>A. VCF-style: chr22-17109533-G-A. GRCh37 (hg19) VCF-style: chr22-17590423-G-A.
Other names: c.2212G>A, p.Ala738Thr (NM_001289905.2); short protein forms A738T, A772T.
Identifiers: ClinVar variation 2070103 (VCV002070103.4), dbSNP rs1306833720, ClinGen allele CA410221775.

ClinVar aggregate classification (germline): Uncertain significance (1 of 4 stars; one submission).

Conditions:
Immunodeficiency 51 (IMD51). Also called: CANDIDIASIS, FAMILIAL, 5. Identifiers: Orphanet 1334, MedGen C4310803, MONDO:0013500, OMIM 613953.

Allele frequency attached by ClinVar (database versions not stated): gnomAD exomes below 0.00001; TOPMed below 0.00001.

Submission:

Labcorp Genetics (formerly Invitae), Labcorp
Classification: Uncertain significance for Immunodeficiency 51. Last evaluated: 2024-02-24. Review status: criteria provided, single submitter. Criteria: Invitae Variant Classification Sherloc (09022015). Collection method: clinical testing. Allele origin: germline.
Comment: This sequence change replaces alanine, which is neutral and non-polar, with threonine, which is neutral and polar, at codon 772 of the IL17RA protein (p.Ala772Thr). The frequency data for this variant in the population databases is considered unreliable, as metrics indicate poor data quality at this position in the gnomAD database. This variant has not been reported in the literature in individuals affected with IL17RA-related conditions. ClinVar contains an entry for this variant (Variation ID: 2070103). An algorithm developed to predict the effect of missense changes on protein structure and function (PolyPhen-2) suggests that this variant is likely to be tolerated. In summary, the available evidence is currently insufficient to determine the role of this variant in disease. Therefore, it has been classified as a Variant of Uncertain Significance.